The following is an entry in ClinVar:

ClinVar aggregate classification (germline): Pathogenic. Review status: criteria provided, multiple submitters, no conflicts (2 of 4 stars). 3 submissions from 3 submitters: Pathogenic (2). 1 of the submissions does not count toward it. Last evaluated 2025-08-06.

Conditions:
Bardet-Biedl syndrome 7 (BBS7). Identifiers: Orphanet 110, MedGen C1859565, MONDO:0014435, OMIM 615984.
Bardet-Biedl syndrome (BBS). Identifiers: Orphanet 110, MedGen C0752166, MONDO:0015229.
Retinal dystrophy. Also called: Inherited retinal dystrophy. Identifiers: Orphanet 71862, MedGen C0854723, MeSH D058499, MONDO:0019118, HP:0000556.

Submissions (3):

Labcorp Genetics (formerly Invitae), Labcorp
Classification: Pathogenic for Bardet-Biedl syndrome. Last evaluated: 2025-08-06. Review status: criteria provided, single submitter. Criteria: Invitae Variant Classification Sherloc (09022015). Collection method: clinical testing. Allele origin: germline.
Comment: This sequence change creates a premature translational stop signal (p.Cys527Leufs*4) in the BBS7 gene. It is expected to result in an absent or disrupted protein product. Loss-of-function variants in BBS7 are known to be pathogenic (PMID: 12567324, 19402160, 21209035, 31196119). This variant is not present in population databases (gnomAD no frequency). This variant has not been reported in the literature in individuals affected with BBS7-related conditions. ClinVar contains an entry for this variant (Variation ID: 2680083). For these reasons, this variant has been classified as Pathogenic.

Juno Genomics, Hangzhou Juno Genomics, Inc
Classification: Pathogenic for Bardet-Biedl syndrome 7. Review status: criteria provided, single submitter. Criteria: ACMG Guidelines, 2015. Collection method: clinical testing. Allele origin: germline. Affected: yes.
Comment: Absent from controls (or at extremely low frequency if recessive) in Genome Aggregation Database, Exome Sequencing Project, 1000 Genomes Project, or Exome Aggregation Consortium.;Null variant in a gene where loss of function (LOF) is a known mechanism of disease.;Patient's phenotype or family history is highly specific for a disease with a single genetic etiology.

Institute of Human Genetics, Univ. Regensburg, Univ. Regensburg
Classification: Pathogenic for Retinal dystrophy. Last evaluated: 2022-01-01. Review status: no assertion criteria provided. Criteria: ACMG Guidelines, 2015. Collection method: clinical testing. Allele origin: germline. Affected: yes. Not counted in ClinVar's aggregate classification.

Literature cited by the submitters: PubMed 12567324 (cited by Labcorp Genetics (formerly Invitae), Labcorp); PubMed 19402160 (cited by Labcorp Genetics (formerly Invitae), Labcorp); PubMed 21209035 (cited by Labcorp Genetics (formerly Invitae), Labcorp); PubMed 31196119 (cited by Labcorp Genetics (formerly Invitae), Labcorp).

NM_176824.3(BBS7):c.1579dup (p.Cys527fs)

Gene: BBS7 (Bardet-Biedl syndrome 7; minus strand). Cytogenetic location: 4q27.
Variant type: Duplication.
Coding change: c.1579dup on transcript NM_176824.3 (MANE Select); coding-DNA position 1579, one base duplicated (T; older notation c.1579dupT).
Protein change: p.Cys527fs; shifts the reading frame from cysteine 527.
Molecular consequence: frameshift variant.
Genome position (GRCh38, 1-based): chr4:121,833,328, A duplicated on the plus strand (T on the coding strand, the reverse complement: BBS7 is on the minus strand); the first of 6 consecutive A bases (chr4:121,833,328-121,833,333); duplicating any one gives the same sequence. VCF-style (leftmost placement, unchanged base first): chr4-121833327-C-CA. GRCh37 (hg19) VCF-style: chr4-122754482-C-CA.
Other names: c.1579dup, p.Cys527fs (NM_018190.4); short protein forms C527fs.
Identifiers: ClinVar variation 2680083 (VCV002680083.7), dbSNP rs751454645, ClinGen allele CA3064184.